The following is an entry in ClinVar:

ClinVar aggregate classification (germline): Benign/Likely benign. Review status: criteria provided, multiple submitters, no conflicts (2 of 4 stars). 11 submissions from 11 submitters: Benign (2); Likely benign (6). 3 of the submissions do not count toward it. Last evaluated 2026-01-26.

Conditions:
Merosin deficient congenital muscular dystrophy (MDC1A). Also called: Congenital merosin-deficient muscular dystrophy 1A; Congenital Muscular Dystrophy Type 1A (MDC1A). Identifiers: Orphanet 258, MedGen C1263858, MONDO:0011925, OMIM 607855.
LAMA2-related disorder. Also called: LAMA2-related disorders; LAMA2-related condition.
LAMA2-related muscular dystrophy (LAMA2-RD). Also called: Laminin alpha 2-related dystrophy. Identifiers: MedGen C5679788, MONDO:0100228.

Allele frequency attached by ClinVar (database versions not stated): ExAC 0.00073; gnomAD 0.00216 and 0.00224; TOPMed 0.00238; ESP Exome Variant Server 0.00315; 1000 Genomes Project 0.00319; 1000 Genomes Project 30x 0.00359.
gnomAD v4.1: 604 of 1,614,044 alleles (0.037%); highest among the groups gnomAD compares: African/African-American, 0.74%; 1 homozygote.

Submissions (11):

Labcorp Genetics (formerly Invitae), Labcorp
Classification: Likely benign for LAMA2-related muscular dystrophy. Last evaluated: 2026-01-26. Review status: criteria provided, single submitter. Criteria: Invitae Variant Classification Sherloc (09022015). Collection method: clinical testing. Allele origin: germline.

Mayo Clinic Laboratories, Mayo Clinic
Classification: Likely benign. Last evaluated: 2024-12-19. Review status: criteria provided, single submitter. Criteria: ACMG Guidelines, 2015. Collection method: clinical testing. Allele origin: germline. Observed: 5 variant alleles.
Comment: BS1

Blueprint Genetics
Classification: Likely benign. Last evaluated: 2024-05-03. Review status: criteria provided, single submitter. Criteria: ACMG Guidelines, 2015. Collection method: clinical testing. Allele origin: germline.

GeneDx
Classification: Likely benign. Last evaluated: 2019-06-14. Review status: criteria provided, single submitter. Criteria: GeneDx Variant Classification Process June 2021. Collection method: clinical testing. Allele origin: germline. Affected: yes.

Athena Diagnostics
Classification: Likely benign. Last evaluated: 2019-02-14. Review status: criteria provided, single submitter. Criteria: Athena Diagnostics Criteria. Collection method: clinical testing. Allele origin: germline.

Genetic Services Laboratory, University of Chicago
Classification: Benign. Last evaluated: 2015-11-11. Review status: criteria provided, single submitter. Criteria: ACMG Guidelines, 2015. Collection method: clinical testing. Allele origin: germline. Affected: no.

Eurofins Ntd Llc (ga)
Classification: Benign. Last evaluated: 2014-04-09. Review status: criteria provided, single submitter. Criteria: EGL Classification Definitions 2015. Collection method: clinical testing. Allele origin: germline. Observed: 1 variant allele, 1 heterozygote.

Breakthrough Genomics
Classification: Likely benign. Review status: criteria provided, single submitter. Criteria: ACMG Guidelines, 2015. Collection method: not provided. Allele origin: germline. Inheritance: Autosomal recessive inheritance. Affected: yes.

PreventionGenetics, part of Exact Sciences
Classification: Benign for LAMA2-related condition. Last evaluated: 2019-10-02. Review status: no assertion criteria provided. Collection method: clinical testing. Allele origin: germline. Not counted in ClinVar's aggregate classification.
Comment: This variant is classified as benign based on ACMG/AMP sequence variant interpretation guidelines (Richards et al. 2015 PMID: 25741868, with internal and published modifications).

Clinical Genetics DNA and cytogenetics Diagnostics Lab, Erasmus MC, Erasmus Medical Center
Classification: Benign. Review status: no assertion criteria provided. Collection method: clinical testing. Allele origin: germline. Affected: yes. Study: VKGL Data-share Consensus. Not counted in ClinVar's aggregate classification.

Diagnostic Laboratory, Department of Genetics, University Medical Center Groningen
Classification: Likely benign for Merosin deficient congenital muscular dystrophy. Review status: no assertion criteria provided. Collection method: clinical testing. Allele origin: germline. Affected: yes. Study: VKGL Data-share Consensus. Not counted in ClinVar's aggregate classification.

NM_000426.4(LAMA2):c.8755C>T (p.Pro2919Ser)

Gene: LAMA2 (laminin subunit alpha 2; plus strand). Cytogenetic location: 6q22.33.
Variant type: single nucleotide variant.
Coding change: c.8755C>T on transcript NM_000426.4 (MANE Select); coding-DNA position 8755, C replaced by T.
Protein change: p.Pro2919Ser; replaces proline 2919 with serine.
Molecular consequence: missense variant.
Genome position (GRCh38, 1-based): chr6:129,507,540, C>T. VCF-style: chr6-129507540-C-T. GRCh37 (hg19) VCF-style: chr6-129828685-C-T.
Other names: c.8743C>T, p.Pro2915Ser (NM_001079823.2); short protein forms P2915S.
Identifiers: ClinVar variation 167249 (VCV000167249.31), dbSNP rs143026295, ClinGen allele CA180164.